The following is an entry in ClinVar:

NM_000318.3(PEX2):c.637G>C (p.Val213Leu)

Gene: PEX2 (peroxisomal biogenesis factor 2; minus strand). Cytogenetic location: 8q21.13.
Variant type: single nucleotide variant.
Coding change: c.637G>C on transcript NM_000318.3 (MANE Select); coding-DNA position 637, G replaced by C.
Protein change: p.Val213Leu; replaces valine 213 with leucine.
Molecular consequence: missense variant.
Genome position (GRCh38, 1-based): chr8:76,983,542, C>G on the plus strand (G>C on the coding strand, the complement: PEX2 is on the minus strand). VCF-style: chr8-76983542-C-G. GRCh37 (hg19) VCF-style: chr8-77895778-C-G.
Other names: c.637G>C, p.Val213Leu (NM_001079867.2, NM_001172086.2, NM_001172087.2); short protein forms V213L.
Identifiers: ClinVar variation 3347933 (VCV003347933.2).

ClinVar aggregate classification (germline): Uncertain significance. Review status: criteria provided, single submitter (1 of 4 stars). 2 submissions from 2 submitters: Uncertain significance (1). 1 of the submissions does not count toward it. Last evaluated 2025-10-23.

Conditions:
PEX2-related disorder. Also called: PEX2-related condition.
Inborn genetic diseases. Identifiers: MedGen C0950123, MeSH D030342.

Submissions (2):

Ambry Genetics
Classification: Uncertain significance for Inborn genetic diseases. Last evaluated: 2025-10-23. Review status: criteria provided, single submitter. Criteria: Ambry Variant Classification Scheme 2023. Collection method: clinical testing. Allele origin: germline.

PreventionGenetics, part of Exact Sciences
Classification: Uncertain significance for PEX2-related condition. Last evaluated: 2024-07-03. Review status: no assertion criteria provided. Collection method: clinical testing. Allele origin: germline. Not counted in ClinVar's aggregate classification.
Comment: The PEX2 c.637G>C variant is predicted to result in the amino acid substitution p.Val213Leu. To our knowledge, this variant has not been reported in the literature or in a large population database, indicating this variant is rare. At this time, the clinical significance of this variant is uncertain due to the absence of conclusive functional and genetic evidence.